The following is an entry in ClinVar:

ClinVar aggregate classification (germline): Uncertain significance. Review status: criteria provided, multiple submitters, no conflicts (2 of 4 stars). 2 submissions from 2 submitters: Uncertain significance (2). Last evaluated 2025-05-14.

Conditions:
Inborn genetic diseases. Identifiers: MedGen C0950123, MeSH D030342.

Allele frequency attached by ClinVar (database versions not stated): gnomAD 0.00001; TOPMed 0.00001.
gnomAD v4.1: 4 of 1,613,858 alleles (0.00025%); highest among the groups gnomAD compares: Non-Finnish European, 0.00034%; no homozygotes.

Submissions (2):

Labcorp Genetics (formerly Invitae), Labcorp
Classification: Uncertain significance. Last evaluated: 2025-05-14. Review status: criteria provided, single submitter. Criteria: Invitae Variant Classification Sherloc (09022015). Collection method: clinical testing. Allele origin: germline.
Comment: This sequence change replaces isoleucine, which is neutral and non-polar, with valine, which is neutral and non-polar, at codon 557 of the SAMD9 protein (p.Ile557Val). This variant is not present in population databases (gnomAD no frequency). This variant has not been reported in the literature in individuals affected with SAMD9-related conditions. ClinVar contains an entry for this variant (Variation ID: 1928619). Invitae Evidence Modeling of protein sequence and biophysical properties (such as structural, functional, and spatial information, amino acid conservation, physicochemical variation, residue mobility, and thermodynamic stability) indicates that this missense variant is not expected to disrupt SAMD9 protein function with a negative predictive value of 95%. In summary, the available evidence is currently insufficient to determine the role of this variant in disease. Therefore, it has been classified as a Variant of Uncertain Significance.

Ambry Genetics
Classification: Uncertain significance for Inborn genetic diseases. Last evaluated: 2024-12-12. Review status: criteria provided, single submitter. Criteria: Ambry Variant Classification Scheme 2023. Collection method: clinical testing. Allele origin: germline.
Comment: The p.I557V variant (also known as c.1669A>G), located in coding exon 1 of the SAMD9 gene, results from an A to G substitution at nucleotide position 1669. The isoleucine at codon 557 is replaced by valine, an amino acid with highly similar properties. This amino acid position is conserved. In addition, this alteration is predicted to be tolerated by in silico analysis. Based on the available evidence, the clinical significance of this variant remains unclear.

NM_017654.4(SAMD9):c.1669A>G (p.Ile557Val)

Gene: SAMD9 (sterile alpha motif domain containing 9; minus strand). Cytogenetic location: 7q21.2.
Variant type: single nucleotide variant.
Coding change: c.1669A>G on transcript NM_017654.4 (MANE Select); coding-DNA position 1669, A replaced by G.
Protein change: p.Ile557Val; replaces isoleucine 557 with valine.
Molecular consequence: missense variant.
Genome position (GRCh38, 1-based): chr7:93,104,429, T>C on the plus strand (A>G on the coding strand, the complement: SAMD9 is on the minus strand). VCF-style: chr7-93104429-T-C. GRCh37 (hg19) VCF-style: chr7-92733742-T-C.
Other names: c.1669A>G, p.Ile557Val (NM_001193307.2); c.1669A>G (NM_017654.3); short protein forms I557V.
Identifiers: ClinVar variation 1928619 (VCV001928619.6), dbSNP rs1791594240, ClinGen allele CA368195416.